The following is an entry in ClinVar:

NM_000554.6(CRX):c.501del (p.Glu168fs)

Gene: CRX (cone-rod homeobox; plus strand). Cytogenetic location: 19q13.33.
Variant type: Deletion.
Coding change: c.501del on transcript NM_000554.6 (MANE Select); coding-DNA position 501, one base deleted (A; older notation c.501delA).
Protein change: p.Glu168fs; shifts the reading frame from glutamic acid 168.
Molecular consequence: frameshift variant.
Genome position (GRCh38, 1-based): chr19:47,839,568, A deleted. VCF-style (leftmost placement, unchanged base first): chr19-47839567-CA-C. GRCh37 (hg19) VCF-style: chr19-48342824-CA-C.
Other names: short protein forms E168fs.
Identifiers: ClinVar variation 1466734 (VCV001466734.6), dbSNP rs2123743175, ClinGen allele CA2573156492.

ClinVar aggregate classification (germline): Pathogenic (1 of 4 stars; one submission).

Conditions:
Cone-rod dystrophy 2 (CORD2). Also called: Cone-rod retinal dystrophy 2; CONE-ROD RETINAL DYSTROPHY. Identifiers: Orphanet 1872, MedGen C3489532, MONDO:0007362, OMIM 120970.
Leber congenital amaurosis 7 (LCA7). Identifiers: Orphanet 65, MedGen C3151192, MONDO:0013449, OMIM 613829.

Submission:

Labcorp Genetics (formerly Invitae), Labcorp
Classification: Pathogenic for Cone-rod dystrophy 2; Leber congenital amaurosis 7. Last evaluated: 2024-04-17. Review status: criteria provided, single submitter. Criteria: Invitae Variant Classification Sherloc (09022015). Collection method: clinical testing. Allele origin: germline.
Comment: This sequence change creates a premature translational stop signal (p.Glu168Serfs*19) in the CRX gene. While this is not anticipated to result in nonsense mediated decay, it is expected to disrupt the last 132 amino acid(s) of the CRX protein. This variant is not present in population databases (gnomAD no frequency). This premature translational stop signal has been observed in individual(s) with cone-rod dystrophy (PMID: 9390563). It has also been observed to segregate with disease in related individuals. ClinVar contains an entry for this variant (Variation ID: 1466734). This variant disrupts a region of the CRX protein in which other variant(s) (p.Tyr258*) have been determined to be pathogenic (PMID: 22968130, 25270190). This suggests that this is a clinically significant region of the protein, and that variants that disrupt it are likely to be disease-causing. For these reasons, this variant has been classified as Pathogenic.

Literature cited by the submitters: PubMed 9390563; PubMed 22968130; PubMed 25270190.